The following is an entry in ClinVar:

ClinVar aggregate classification (germline): Uncertain significance. Review status: criteria provided, multiple submitters, no conflicts (2 of 4 stars). 2 submissions from 2 submitters: Uncertain significance (2). Last evaluated 2025-04-11.

Conditions:
Hereditary cancer-predisposing syndrome. Also called: Hereditary Cancer Syndrome; Neoplastic Syndromes, Hereditary; Tumor predisposition; Hereditary neoplastic syndrome. Identifiers: Orphanet 140162, MedGen C0027672, MeSH D009386, MONDO:0015356.
Tuberous sclerosis 2 (TSC2). Identifiers: Orphanet 805, MedGen C1860707, MONDO:0013199, OMIM 613254.

Submissions (2):

Ambry Genetics
Classification: Uncertain significance for Hereditary cancer-predisposing syndrome. Last evaluated: 2025-04-11. Review status: criteria provided, single submitter. Criteria: Ambry Variant Classification Scheme 2023. Collection method: clinical testing. Allele origin: germline.
Comment: The c.3794_3796delCTC variant (also known as p.P1265del) is located in coding exon 30 of the TSC2 gene. This variant results from an in-frame CTC deletion at nucleotide positions 3794 to 3796. This results in the in-frame deletion of a proline at codon 1265. This amino acid position is not well conserved in available vertebrate species. In addition, the in silico prediction for this alteration is inconclusive (Choi Y et al. PLoS ONE. 2012; 7(10):e46688). Based on the available evidence, the clinical significance of this variant remains unclear.

Labcorp Genetics (formerly Invitae), Labcorp
Classification: Uncertain significance for Tuberous sclerosis 2. Last evaluated: 2022-09-20. Review status: criteria provided, single submitter. Criteria: Invitae Variant Classification Sherloc (09022015). Collection method: clinical testing. Allele origin: germline.
Comment: In summary, the available evidence is currently insufficient to determine the role of this variant in disease. Therefore, it has been classified as a Variant of Uncertain Significance. This variant, c.3794_3796del, results in the deletion of 1 amino acid(s) of the TSC2 protein (p.Pro1265del), but otherwise preserves the integrity of the reading frame. This variant is not present in population databases (gnomAD no frequency). This variant has not been reported in the literature in individuals affected with TSC2-related conditions. ClinVar contains an entry for this variant (Variation ID: 230769).

NM_000548.5(TSC2):c.3791CTC[1] (p.Pro1265del)

Gene: TSC2 (TSC complex subunit 2; plus strand). Cytogenetic location: 16p13.3.
Variant type: Microsatellite.
Coding change: c.3791CTC[1] on transcript NM_000548.5 (MANE Select); one copy of the 3-base unit CTC starting at c.3791; the reference has two copies in a row; one copy, 3 bases deleted.
Protein change: p.Pro1265del; deletes proline 1265.
Molecular consequence: inframe deletion.
Genome position (GRCh38, 1-based): chr16:2,081,778-2,081,780, CTC deleted; deleting any 3 consecutive bases within chr16:2,081,774-2,081,780 gives the same sequence; the position shown is the placement nearest the transcript's 3' end. VCF-style (leftmost placement, unchanged base first): chr16-2081773-CCCT-C. GRCh37 (hg19) VCF-style: chr16-2131774-CCCT-C.
Other names: c.3659CTC[1], p.Pro1221del (NM_001077183.3, NM_001370404.1); c.3791CTC[1], p.Pro1265del (NM_001114382.3); c.3551CTC[1], p.Pro1185del (NM_001318827.2); c.3515CTC[1], p.Pro1173del (NM_001318829.2); c.3059CTC[1], p.Pro1021del (NM_001318831.2); c.3692CTC[1], p.Pro1232del (NM_001318832.2); c.3662CTC[1], p.Pro1222del (NM_001363528.2, NM_001370405.1, NM_021055.3); short protein forms P1265del, P1021del, P1221del, P1185del, P1232del, P1173del, P1222del.
Identifiers: ClinVar variation 230769 (VCV000230769.12), dbSNP rs876658759, ClinGen allele CA10579895.
Genomic context (GRCh38, chr16:2,081,773, plus strand): 5'-GCACCGGGACACAGCCCTGTACAAGTCACTGTCGGTGCCGGCAGCCAGCACGGCCAAACC[CCCT>C]CCTCTGCCTCGCTCCAACACAGGTGAGTGGCATGGCGGGCCTTGGCACGGGCTCTGCTCC-3'